The following is an entry in ClinVar:

ClinVar aggregate classification (germline): Uncertain significance (0 of 4 stars; one submission).

Conditions:
SLCO1B3-related disorder. Also called: SLCO1B3-related condition.

Submission:

PreventionGenetics, part of Exact Sciences
Classification: Uncertain significance for SLCO1B3-related condition. Last evaluated: 2024-04-03. Review status: no assertion criteria provided. Collection method: clinical testing. Allele origin: germline.
Comment: The SLCO1B3 c.509T>C variant is predicted to result in the amino acid substitution p.Met170Thr. To our knowledge, this variant has not been reported in the literature or in a large population database, indicating this variant is rare. At this time, the clinical significance of this variant is uncertain due to the absence of conclusive functional and genetic evidence.

NM_019844.4(SLCO1B3):c.509T>C (p.Met170Thr)

Genes: SLCO1B3 (solute carrier organic anion transporter family member 1B3; plus strand), SLCO1B3-SLCO1B7 (SLCO1B3-SLCO1B7 readthrough; plus strand). Cytogenetic location: 12p12.2.
Variant type: single nucleotide variant.
Coding change: c.509T>C on transcript NM_019844.4 (MANE Select); coding-DNA position 509, T replaced by C.
Protein change: p.Met170Thr; replaces methionine 170 with threonine.
Molecular consequence: missense variant.
Genome position (GRCh38, 1-based): chr12:20,862,439, T>C. VCF-style: chr12-20862439-T-C. GRCh37 (hg19) VCF-style: chr12-21015373-T-C.
Other names: c.509T>C, p.Met170Thr (NM_001371097.1); c.425T>C, p.Met142Thr (NM_001349920.2); short protein forms M142T, M170T.
Identifiers: ClinVar variation 3349276 (VCV003349276.1).
Genomic context (GRCh38, chr12:20,862,439, plus strand): 5'-TGTTTAAAGTAAAACACTCTCTTGTCTCGATAGATTGTGTAAAGGAATCTGGGTCACACA[T>C]GTGGATCTATGTCTTCATGGGGAATATGCTTCGTGGCATAGGGGAAACCCCCATAGTACC-3'
Protein context (NP_062818.1, residues 160-180): KDCVKESGSH[Met170Thr]WIYVFMGNML